The following is an entry in ClinVar:

ClinVar aggregate classification (germline): Likely pathogenic (1 of 4 stars; one submission).

Conditions:
Intellectual developmental disorder, autosomal recessive 3. Also called: Intellectual disability, autosomal recessive 3. Identifiers: Orphanet 88616, MedGen C1838023, MONDO:0012037, OMIM 608443.

Submission:

Pittsburgh Clinical Genomics Laboratory, University of Pittsburgh Medical Center
Classification: Likely pathogenic for Intellectual developmental disorder, autosomal recessive 3. Last evaluated: 2024-05-06. Review status: criteria provided, single submitter. Criteria: ACMG Guidelines, 2015. Collection method: clinical testing. Allele origin: germline. Inheritance: Autosomal recessive inheritance. Affected: yes.
Comment: This sequence variant is a single nucleotide duplication at position 959 of the coding sequence of the CC2D1A gene that results in an early termination signal 82 codons downstream of the frameshift at codon 321. As it occurs in exon 9 of 29, this variant is predicted to generate a non-functional allele through either the expression of a truncated protein or a loss of CC2D1A expression due to nonsense-mediated decay. This novel variant is absent from ClinVar, publications, and the gnomAD v4.1.0 population database (0/~1612000 alleles). Based upon the evidence, we consider this variant to be likely pathogenic. ACMG Criteria: PM2, PVS1

NM_017721.5(CC2D1A):c.959dup (p.Asp321fs)

Gene: CC2D1A (coiled-coil and C2 domain containing 1A; plus strand). Cytogenetic location: 19p13.12.
Variant type: Duplication.
Coding change: c.959dup on transcript NM_017721.5 (MANE Select); coding-DNA position 959, one base duplicated (C; older notation c.959dupC).
Protein change: p.Asp321fs; shifts the reading frame from aspartic acid 321.
Molecular consequence: frameshift variant.
Genome position (GRCh38, 1-based): chr19:13,918,758, C duplicated; the last of 5 consecutive C bases (chr19:13,918,754-13,918,758); duplicating any one gives the same sequence. VCF-style (leftmost placement, unchanged base first): chr19-13918753-G-GC. GRCh37 (hg19) VCF-style: chr19-14029566-G-GC.
Other names: c.959dup, p.Asp321fs (NM_001411138.1); short protein forms D321fs.
Identifiers: ClinVar variation 3376456 (VCV003376456.1).